The following is an entry in ClinVar:

ClinVar aggregate classification (germline): Uncertain significance (1 of 4 stars; one submission).

Allele frequency attached by ClinVar (database versions not stated): gnomAD exomes below 0.00001; TOPMed below 0.00001; gnomAD 0.00001; ExAC 0.00002.
gnomAD v4.1: 4 of 1,555,326 alleles (0.00026%); highest among the groups gnomAD compares: African/African-American, 0.0014%; no homozygotes.

Submission:

Labcorp Genetics (formerly Invitae), Labcorp
Classification: Uncertain significance. Last evaluated: 2022-09-27. Review status: criteria provided, single submitter. Criteria: Invitae Variant Classification Sherloc (09022015). Collection method: clinical testing. Allele origin: germline.
Comment: The frequency data for this variant in the population databases is considered unreliable, as metrics indicate poor data quality at this position in the gnomAD database. In summary, the available evidence is currently insufficient to determine the role of this variant in disease. Therefore, it has been classified as a Variant of Uncertain Significance. Advanced modeling of protein sequence and biophysical properties (such as structural, functional, and spatial information, amino acid conservation, physicochemical variation, residue mobility, and thermodynamic stability) performed at Invitae indicates that this missense variant is expected to disrupt LCA5 protein function. This variant has not been reported in the literature in individuals affected with LCA5-related conditions. This sequence change replaces isoleucine, which is neutral and non-polar, with methionine, which is neutral and non-polar, at codon 297 of the LCA5 protein (p.Ile297Met).

NM_001122769.3(LCA5):c.891A>G (p.Ile297Met)

Gene: LCA5 (lebercilin LCA5; minus strand). Cytogenetic location: 6q14.1.
Variant type: single nucleotide variant.
Coding change: c.891A>G on transcript NM_001122769.3 (MANE Select); coding-DNA position 891, A replaced by G.
Protein change: p.Ile297Met; replaces isoleucine 297 with methionine.
Molecular consequence: missense variant.
Genome position (GRCh38, 1-based): chr6:79,492,615, T>C on the plus strand (A>G on the coding strand, the complement: LCA5 is on the minus strand). VCF-style: chr6-79492615-T-C. GRCh37 (hg19) VCF-style: chr6-80202332-T-C.
Other names: c.891A>G, p.Ile297Met (NM_181714.4); short protein forms I297M.
Identifiers: ClinVar variation 2158478 (VCV002158478.4), dbSNP rs752186384, ClinGen allele CA3900988.
Genomic context (GRCh38, chr6:79,492,615, plus strand): 5'-TTTTCTTAATGCAAGTTCTTTCTCTTTATTTGGAGAGGACTTTGGCAGACGATTAGAATA[T>C]ATATTTTTTATATCCAGTTCTCTCTCCTTTTCCTGAAAACAAACGCAATACAATTAAGGA-3'
Protein context (NP_001116241.1, residues 287-307): EKERELDIKN[Ile297Met]YSNRLPKSSP